The following is an entry in ClinVar:

ClinVar aggregate classification (germline): Uncertain significance (1 of 4 stars; one submission).

Conditions:
Hypertrophic cardiomyopathy. Also called: HYPERTROPHIC MYOCARDIOPATHY. Identifiers: Orphanet 217569, MedGen C0007194, MeSH D002312, MONDO:0005045, HP:0001639.

Allele frequency attached by ClinVar (database versions not stated): ExAC 0.00001; gnomAD 0.00001; gnomAD exomes 0.00001 and 0.00007; TOPMed 0.00002; ESP Exome Variant Server 0.00008.
gnomAD v4.1: 107 of 1,607,936 alleles (0.0067%); highest among the groups gnomAD compares: Non-Finnish European, 0.009%; no homozygotes.

Submission:

Labcorp Genetics (formerly Invitae), Labcorp
Classification: Uncertain significance for Hypertrophic cardiomyopathy. Last evaluated: 2025-04-17. Review status: criteria provided, single submitter. Criteria: Invitae Variant Classification Sherloc (09022015). Collection method: clinical testing. Allele origin: germline.
Comment: This sequence change replaces glycine, which is neutral and non-polar, with arginine, which is basic and polar, at codon 1424 of the MYOM1 protein (p.Gly1424Arg). The frequency data for this variant in the population databases is considered unreliable, as metrics indicate poor data quality at this position in the gnomAD database. This variant has not been reported in the literature in individuals affected with MYOM1-related conditions. ClinVar contains an entry for this variant (Variation ID: 663793). Invitae Evidence Modeling of protein sequence and biophysical properties (such as structural, functional, and spatial information, amino acid conservation, physicochemical variation, residue mobility, and thermodynamic stability) has been performed for this missense variant. However, the output from this modeling did not meet the statistical confidence thresholds required to predict the impact of this variant on MYOM1 protein function. In summary, the available evidence is currently insufficient to determine the role of this variant in disease. Therefore, it has been classified as a Variant of Uncertain Significance.

NM_003803.4(MYOM1):c.4270G>A (p.Gly1424Arg)

Gene: MYOM1 (myomesin 1; minus strand). Cytogenetic location: 18p11.31.
Variant type: single nucleotide variant.
Coding change: c.4270G>A on transcript NM_003803.4 (MANE Select); coding-DNA position 4270, G replaced by A.
Protein change: p.Gly1424Arg; replaces glycine 1424 with arginine.
Molecular consequence: missense variant.
Genome position (GRCh38, 1-based): chr18:3,085,114, C>T on the plus strand (G>A on the coding strand, the complement: MYOM1 is on the minus strand). VCF-style: chr18-3085114-C-T. GRCh37 (hg19) VCF-style: chr18-3085112-C-T.
Other names: c.3982G>A, p.Gly1328Arg (NM_019856.2); short protein forms G1328R, G1424R.
Identifiers: ClinVar variation 663793 (VCV000663793.10), dbSNP rs376646252, ClinGen allele CA8873990.
Genomic context (GRCh38, chr18:3,085,114, plus strand): 5'-CAAGCTTCAGTCTGCTCTTATCTTTTCCTCGGTCATCTTTCAGGATAACTTCATAAATCC[C>T]AGCATCTTTCTTGGAAAACTAAGGGGGAATAGATATACCACATTGCACCTTTCGTAGCCC-3'
Protein context (NP_003794.3, residues 1414-1434): LITEFSKKDA[Gly1424Arg]IYEVILKDDR